The following is an entry in ClinVar:

ClinVar aggregate classification (germline): Uncertain significance (1 of 4 stars; one submission).

Conditions:
Distal hereditary motor neuropathy type 2. Identifiers: Orphanet 139525, MedGen C3711384, MeSH C580044, MONDO:0015352.

Allele frequency attached by ClinVar (database versions not stated): TOPMed below 0.00001; gnomAD 0.00001; gnomAD exomes 0.00001.

Submission:

Labcorp Genetics (formerly Invitae), Labcorp
Classification: Uncertain significance for Distal hereditary motor neuropathy type 2. Last evaluated: 2024-02-02. Review status: criteria provided, single submitter. Criteria: Invitae Variant Classification Sherloc (09022015). Collection method: clinical testing. Allele origin: germline.
Comment: This sequence change replaces methionine, which is neutral and non-polar, with leucine, which is neutral and non-polar, at codon 13 of the FBXO38 protein (p.Met13Leu). This variant is not present in population databases (gnomAD no frequency). This variant has not been reported in the literature in individuals affected with FBXO38-related conditions. Advanced modeling of protein sequence and biophysical properties (such as structural, functional, and spatial information, amino acid conservation, physicochemical variation, residue mobility, and thermodynamic stability) performed at Invitae indicates that this missense variant is not expected to disrupt FBXO38 protein function with a negative predictive value of 80%. In summary, the available evidence is currently insufficient to determine the role of this variant in disease. Therefore, it has been classified as a Variant of Uncertain Significance.

NM_205836.3(FBXO38):c.37A>T (p.Met13Leu)

Gene: FBXO38 (F-box protein 38; plus strand). Cytogenetic location: 5q32.
Variant type: single nucleotide variant.
Coding change: c.37A>T on transcript NM_205836.3 (MANE Select); coding-DNA position 37, A replaced by T.
Protein change: p.Met13Leu; replaces methionine 13 with leucine.
Molecular consequence: missense variant.
Genome position (GRCh38, 1-based): chr5:148,394,813, A>T. VCF-style: chr5-148394813-A-T. GRCh37 (hg19) VCF-style: chr5-147774376-A-T.
Other names: c.37A>T, p.Met13Leu (NM_001271723.2, NM_030793.5); short protein forms M13L.
Identifiers: ClinVar variation 2907522 (VCV002907522.3), dbSNP rs1758393696, ClinGen allele CA361653545.
Genomic context (GRCh38, chr5:148,394,813, plus strand): 5'-GTTGATACTGGAGACTGCACAACAATGGGGCCACGAAAGAAAAGTGTGAAAACATGTATC[A>T]TGAATAATGAAATTCCAGAAGAAATGACAGCAGATGAAACAAAGGACTATATGAATCAAC-3'
Protein context (NP_995308.1, residues 3-23): PRKKSVKTCI[Met13Leu]NNEIPEEMTA